The following is an entry in ClinVar:

ClinVar aggregate classification (germline): Uncertain significance. Review status: criteria provided, multiple submitters, no conflicts (2 of 4 stars). 2 submissions from 2 submitters: Uncertain significance (2). Last evaluated 2026-07-01.

Conditions:
Singleton-Merten syndrome 1 (SGMRT1). Also called: Widened medullary cavities of bone, aortic calcification, abnormal dentition, and muscular weakness; Syndrome of widened medullary cavities of the metacarpals and phalanges, aortic calcification and abnormal dentition. Identifiers: Orphanet 85191, MedGen C4225427, MONDO:0024535, OMIM 182250.
Aicardi-Goutieres syndrome 7 (AGS7). Identifiers: Orphanet 51, MedGen C3888244, MONDO:0014367, OMIM 615846.

Allele frequency attached by ClinVar (database versions not stated): ExAC 0.00001; gnomAD 0.00001; gnomAD exomes 0.00001 and 0.00003; TOPMed 0.00002; ESP Exome Variant Server 0.00008.
gnomAD v4.1: 49 of 1,613,452 alleles (0.003%); highest among the groups gnomAD compares: Non-Finnish European, 0.0036%; no homozygotes.

Submissions (2):

CeGaT Center for Human Genetics Tuebingen
Classification: Uncertain significance. Last evaluated: 2026-07-01. Review status: criteria provided, single submitter. Criteria: CeGaT Center For Human Genetics Tuebingen Variant Classification Criteria Version 2. Collection method: clinical testing. Allele origin: germline. Affected: yes. Observed: 1 variant allele.
Comment: IFIH1: PM2, BP4

Labcorp Genetics (formerly Invitae), Labcorp
Classification: Uncertain significance for Aicardi-Goutieres syndrome 7; Singleton-Merten syndrome 1. Last evaluated: 2025-06-16. Review status: criteria provided, single submitter. Criteria: Invitae Variant Classification Sherloc (09022015). Collection method: clinical testing. Allele origin: germline.
Comment: This sequence change replaces isoleucine, which is neutral and non-polar, with valine, which is neutral and non-polar, at codon 708 of the IFIH1 protein (p.Ile708Val). This variant is present in population databases (rs370796923, gnomAD 0.007%). This variant has not been reported in the literature in individuals affected with IFIH1-related conditions. ClinVar contains an entry for this variant (Variation ID: 541776). Invitae Evidence Modeling of protein sequence and biophysical properties (such as structural, functional, and spatial information, amino acid conservation, physicochemical variation, residue mobility, and thermodynamic stability) has been performed for this missense variant. However, the output from this modeling did not meet the statistical confidence thresholds required to predict the impact of this variant on IFIH1 protein function. In summary, the available evidence is currently insufficient to determine the role of this variant in disease. Therefore, it has been classified as a Variant of Uncertain Significance.

NM_022168.4(IFIH1):c.2122A>G (p.Ile708Val)

Gene: IFIH1 (interferon induced with helicase C domain 1; minus strand). Cytogenetic location: 2q24.2.
Variant type: single nucleotide variant.
Coding change: c.2122A>G on transcript NM_022168.4 (MANE Select); coding-DNA position 2122, A replaced by G.
Protein change: p.Ile708Val; replaces isoleucine 708 with valine.
Molecular consequence: missense variant.
Genome position (GRCh38, 1-based): chr2:162,276,869, T>C on the plus strand (A>G on the coding strand, the complement: IFIH1 is on the minus strand). VCF-style: chr2-162276869-T-C. GRCh37 (hg19) VCF-style: chr2-163133379-T-C.
Other names: c.2122A>G, p.Ile708Val (LRG_1235t1); short protein forms I708V.
Identifiers: ClinVar variation 541776 (VCV000541776.9), dbSNP rs370796923, ClinGen allele CA1934287.
Genomic context (GRCh38, chr2:162,276,869, plus strand): 5'-GTGTTTTTGTAAAGATTATTCCTCGTGCTGATTCCTCAGTCCTAGTATATTGCTCCATTA[T>C]GGTATTTCTTAATTTGGTCAGCTTTTCATTTTCATATTCTGGGTTTTCAGCCAGCCTTTT-3'
Protein context (NP_071451.2, residues 698-718): NEKLTKLRNT[Ile708Val]MEQYTRTEES